The following is an entry in ClinVar:

ClinVar aggregate classification (germline): Uncertain significance (1 of 4 stars; one submission).

Conditions:
AKR1D1-related disorder. Also called: AKR1D1-related condition.

gnomAD v4.1: 2 of 1,613,170 alleles (0.00012%); highest among the groups gnomAD compares: Admixed American, 0.0017%; no homozygotes.

Submission:

PreventionGenetics, part of Exact Sciences
Classification: Uncertain significance for AKR1D1-related condition. Last evaluated: 2026-03-10. Review status: criteria provided, single submitter. Criteria: ACMG Guidelines, 2015. Collection method: clinical testing. Allele origin: germline.
Comment: The AKR1D1 c.74C>A variant is predicted to result in the amino acid substitution p.Thr25Asn. To our knowledge, this variant has not been reported in the literature or in a large population database (gnomAD), indicating this variant is rare. At this time, the clinical significance of this variant is uncertain due to the absence of conclusive functional and genetic evidence.

NM_005989.4(AKR1D1):c.74C>A (p.Thr25Asn)

Gene: AKR1D1 (aldo-keto reductase family 1 member D1; plus strand). Cytogenetic location: 7q33.
Variant type: single nucleotide variant.
Coding change: c.74C>A on transcript NM_005989.4 (MANE Select); coding-DNA position 74, C replaced by A.
Protein change: p.Thr25Asn; replaces threonine 25 with asparagine.
Molecular consequence: missense variant.
Genome position (GRCh38, 1-based): chr7:138,076,592, C>A. VCF-style: chr7-138076592-C-A. GRCh37 (hg19) VCF-style: chr7-137761338-C-A.
Other names: c.74C>A, p.Thr25Asn (NM_001190906.2, NM_001190907.2); short protein forms T25N.
Identifiers: ClinVar variation 4992149 (VCV004992149.1).
Genomic context (GRCh38, chr7:138,076,592, plus strand): 5'-CTGCAAGTCACCGCATACCTCTAAGTGATGGAAACAGCATTCCCATCATCGGACTTGGTA[C>A]CTACTCAGAACCTAAATCGGTAAGCTTATTTTTTCTCTCTTTGCTTGCTTGTTTGTTTCT-3'
Protein context (NP_005980.1, residues 15-35): GNSIPIIGLG[Thr25Asn]YSEPKSTPKG